The following is an entry in ClinVar:

ClinVar aggregate classification (germline): Conflicting classifications of pathogenicity. Review status: criteria provided, conflicting classifications (1 of 4 stars). 8 submissions from 7 submitters: Uncertain significance (3); Likely benign (4). 1 of the submissions does not count toward it. Last evaluated 2026-06-01.

Conditions:
CENPJ-related disorder. Also called: CENPJ-related condition; CENPJ-related disorders.
Inborn genetic diseases. Identifiers: MedGen C0950123, MeSH D030342.
Seckel syndrome 4 (SCKL4). Identifiers: Orphanet 808, MedGen C3888212, MONDO:0013358, OMIM 613676.
Microcephaly 6, primary, autosomal recessive. Identifiers: Orphanet 2512, MedGen C1842109, MONDO:0012029, OMIM 608393.

Allele frequency attached by ClinVar (database versions not stated): gnomAD exomes 0.00014 and 0.00035; ExAC 0.00035; 1000 Genomes Project 30x 0.00094; 1000 Genomes Project 0.00100; gnomAD 0.00137 and 0.00148; ESP Exome Variant Server 0.00138; TOPMed 0.00141.
gnomAD v4.1: 423 of 1,614,122 alleles (0.026%); highest among the groups gnomAD compares: African/African-American, 0.45%; no homozygotes.

Submissions (8):

CeGaT Center for Human Genetics Tuebingen
Classification: Likely benign. Last evaluated: 2026-06-01. Review status: criteria provided, single submitter. Criteria: CeGaT Center For Human Genetics Tuebingen Variant Classification Criteria Version 2. Collection method: clinical testing. Allele origin: germline. Affected: yes. Observed: 1 variant allele.
Comment: CPAP: BP4

Labcorp Genetics (formerly Invitae), Labcorp
Classification: Likely benign. Last evaluated: 2025-12-10. Review status: criteria provided, single submitter. Criteria: Invitae Variant Classification Sherloc (09022015). Collection method: clinical testing. Allele origin: germline.

Ambry Genetics
Classification: Likely benign for Inborn genetic diseases. Last evaluated: 2021-07-06. Review status: criteria provided, single submitter. Criteria: Ambry Variant Classification Scheme 2023. Collection method: clinical testing. Allele origin: germline.

Illumina Laboratory Services, Illumina
Classification: Uncertain significance for Microcephaly 6, primary, autosomal recessive. Last evaluated: 2018-01-13. Review status: criteria provided, single submitter. Criteria: ICSL Variant Classification Criteria 13 December 2019. Collection method: clinical testing. Allele origin: germline.

Illumina Laboratory Services, Illumina
Classification: Likely benign for Seckel syndrome 4. Last evaluated: 2018-01-13. Review status: criteria provided, single submitter. Criteria: ICSL Variant Classification Criteria 13 December 2019. Collection method: clinical testing. Allele origin: germline.
Comment: This variant was observed in the ICSL laboratory as part of a predisposition screen in an ostensibly healthy population. It had not been previously curated by ICSL or reported in the Human Gene Mutation Database (HGMD: prior to June 1st, 2018), and was therefore a candidate for classification through an automated scoring system. Utilizing variant allele frequency, disease prevalence and penetrance estimates, and inheritance mode, an automated score was calculated to assess if this variant is too frequent to cause the disease. Based on the score and internal cut-off values, a variant classified as likely benign is not then subjected to further curation. The score for this variant resulted in a classification of likely benign for this disease.

Genetic Services Laboratory, University of Chicago
Classification: Uncertain significance. Last evaluated: 2016-02-26. Review status: criteria provided, single submitter. Criteria: ACMG Guidelines, 2015. Collection method: clinical testing. Allele origin: germline. Affected: no.

Eurofins Ntd Llc (ga)
Classification: Uncertain significance. Last evaluated: 2014-07-17. Review status: criteria provided, single submitter. Criteria: EGL Classification Definitions 2015. Collection method: clinical testing. Allele origin: germline. Observed: 1 variant allele, 1 heterozygote.

PreventionGenetics, part of Exact Sciences
Classification: Likely benign for CENPJ-related condition. Last evaluated: 2022-02-24. Review status: no assertion criteria provided. Collection method: clinical testing. Allele origin: germline. Not counted in ClinVar's aggregate classification.
Comment: This variant is classified as likely benign based on ACMG/AMP sequence variant interpretation guidelines (Richards et al. 2015 PMID: 25741868, with internal and published modifications).

NM_018451.5(CPAP):c.646T>C (p.Cys216Arg)

Gene: CPAP (centrosome assembly and centriole elongation protein; minus strand). Cytogenetic location: 13q12.13.
Variant type: single nucleotide variant.
Coding change: c.646T>C on transcript NM_018451.5 (MANE Select); coding-DNA position 646, T replaced by C.
Protein change: p.Cys216Arg; replaces cysteine 216 with arginine.
Molecular consequence: missense variant. On other transcripts: non-coding transcript variant (2).
Genome position (GRCh38, 1-based): chr13:24,910,009, A>G on the plus strand (T>C on the coding strand, the complement: CPAP is on the minus strand). VCF-style: chr13-24910009-A-G. GRCh37 (hg19) VCF-style: chr13-25484147-A-G.
Other names: short protein forms C216R.
Identifiers: ClinVar variation 197319 (VCV000197319.27), dbSNP rs143260721, ClinGen allele CA245384.
Genomic context (GRCh38, chr13:24,910,009, plus strand): 5'-TGTTGGACGGGTATGTTTCTTCCTGGGTTGGGTCCGGGTAGACATATGATGGGAAGCAGC[A>G]TGTGGCTCTCTCTCCAGTGGTGGTATTTCCTGGAGACCTGTGCTTCTGGCTCTGATCATC-3'
Protein context (NP_060921.3, residues 206-226): GNTTTGERAT[Cys216Arg]CFPSYVYPDP